The following is an entry in ClinVar:

ClinVar aggregate classification (germline): Likely benign (0 of 4 stars; one submission).

Conditions:
CREBBP-related disorder. Also called: CREBBP-related condition; CREBBP-related disorders.

gnomAD v4.1: 1 of 1,526,986 alleles (0.000065%); highest among the groups gnomAD compares: Non-Finnish European, 0.000088%; no homozygotes.

Submission:

PreventionGenetics, part of Exact Sciences
Classification: Likely benign for CREBBP-related condition. Last evaluated: 2023-05-11. Review status: no assertion criteria provided. Collection method: clinical testing. Allele origin: germline.
Comment: This variant is classified as likely benign based on ACMG/AMP sequence variant interpretation guidelines (Richards et al. 2015 PMID: 25741868, with internal and published modifications).

NM_004380.3(CREBBP):c.5781T>G (p.Thr1927=)

Gene: CREBBP (CREB binding lysine acetyltransferase; minus strand). Cytogenetic location: 16p13.3.
Variant type: single nucleotide variant.
Coding change: c.5781T>G on transcript NM_004380.3 (MANE Select); coding-DNA position 5781, T replaced by G.
Protein change: p.Thr1927=; no amino-acid change (threonine 1927 retained).
Molecular consequence: synonymous variant.
Genome position (GRCh38, 1-based): chr16:3,729,266, A>C on the plus strand (T>G on the coding strand, the complement: CREBBP is on the minus strand). VCF-style: chr16-3729266-A-C. GRCh37 (hg19) VCF-style: chr16-3779267-A-C.
Other names: c.5667T>G, p.Thr1889= (NM_001079846.1).
Identifiers: ClinVar variation 3356616 (VCV003356616.1).